The following is an entry in ClinVar:

NM_024529.5(CDC73):c.599A>G (p.Asp200Gly)

Gene: CDC73 (cell division cycle 73; plus strand). Cytogenetic location: 1q31.2.
Variant type: single nucleotide variant.
Coding change: c.599A>G on transcript NM_024529.5 (MANE Select); coding-DNA position 599, A replaced by G.
Protein change: p.Asp200Gly; replaces aspartic acid 200 with glycine.
Molecular consequence: missense variant.
Genome position (GRCh38, 1-based): chr1:193,141,936, A>G. VCF-style: chr1-193141936-A-G. GRCh37 (hg19) VCF-style: chr1-193111066-A-G.
Other names: short protein forms D200G.
Identifiers: ClinVar variation 2838581 (VCV002838581.4), dbSNP rs2527324485, ClinGen allele CA343962458.

ClinVar aggregate classification (germline): Uncertain significance. Review status: criteria provided, multiple submitters, no conflicts (2 of 4 stars). 2 submissions from 2 submitters: Uncertain significance (2). Last evaluated 2025-02-20.

Conditions:
Parathyroid carcinoma (PRTC). Also called: CDC73-Related Parathyroid Carcinoma; Parathyroid gland carcinoma. Identifiers: Orphanet 143, MedGen C0687150, MONDO:0012004, OMIM 608266, HP:0006780.
Hereditary cancer-predisposing syndrome. Also called: Tumor predisposition; Neoplastic Syndromes, Hereditary; Hereditary Cancer Syndrome; Hereditary neoplastic syndrome. Identifiers: Orphanet 140162, MedGen C0027672, MeSH D009386, MONDO:0015356.

Submissions (2):

Ambry Genetics
Classification: Uncertain significance for Hereditary cancer-predisposing syndrome. Last evaluated: 2025-02-20. Review status: criteria provided, single submitter. Criteria: Ambry Variant Classification Scheme 2023. Collection method: clinical testing. Allele origin: germline.
Comment: The p.D200G variant (also known as c.599A>G), located in coding exon 7 of the CDC73 gene, results from an A to G substitution at nucleotide position 599. The aspartic acid at codon 200 is replaced by glycine, an amino acid with similar properties. This amino acid position is conserved. In addition, the in silico prediction for this alteration is inconclusive. Based on the available evidence, the clinical significance of this variant remains unclear.

Labcorp Genetics (formerly Invitae), Labcorp
Classification: Uncertain significance for Parathyroid carcinoma. Last evaluated: 2023-02-18. Review status: criteria provided, single submitter. Criteria: Invitae Variant Classification Sherloc (09022015). Collection method: clinical testing. Allele origin: germline.
Comment: This sequence change replaces aspartic acid, which is acidic and polar, with glycine, which is neutral and non-polar, at codon 200 of the CDC73 protein (p.Asp200Gly). Advanced modeling of protein sequence and biophysical properties (such as structural, functional, and spatial information, amino acid conservation, physicochemical variation, residue mobility, and thermodynamic stability) performed at Invitae indicates that this missense variant is not expected to disrupt CDC73 protein function. This variant has not been reported in the literature in individuals affected with CDC73-related conditions. This variant is not present in population databases (gnomAD no frequency). In summary, the available evidence is currently insufficient to determine the role of this variant in disease. Therefore, it has been classified as a Variant of Uncertain Significance.